The following is an entry in ClinVar:

ClinVar aggregate classification (germline): Uncertain significance. Review status: criteria provided, multiple submitters, no conflicts (2 of 4 stars). 2 submissions from 2 submitters: Uncertain significance (2). Last evaluated 2024-03-01.

Conditions:
Rubinstein-Taybi syndrome due to EP300 haploinsufficiency. Also called: RUBINSTEIN-TAYBI SYNDROME 2; EP300-Related Rubinstein-Taybi Syndrome. Identifiers: Orphanet 353284, Orphanet 783, MedGen C3150941, MONDO:0013364, OMIM 613684.

Submissions (2):

CeGaT Center for Human Genetics Tuebingen
Classification: Uncertain significance. Last evaluated: 2024-03-01. Review status: criteria provided, single submitter. Criteria: CeGaT Center For Human Genetics Tuebingen Variant Classification Criteria Version 2. Collection method: clinical testing. Allele origin: germline. Affected: yes. Observed: 1 variant allele.
Comment: EP300: PM2

Institute of Human Genetics, University of Leipzig Medical Center
Classification: Uncertain significance for Rubinstein-Taybi syndrome due to EP300 haploinsufficiency. Last evaluated: 2019-01-01. Review status: criteria provided, single submitter. Criteria: ACMG Guidelines, 2015. Collection method: clinical testing. Allele origin: unknown. Affected: no.

NM_001429.4(EP300):c.749C>G (p.Pro250Arg)

Gene: EP300 (EP300 lysine acetyltransferase; plus strand). Cytogenetic location: 22q13.2.
Variant type: single nucleotide variant.
Coding change: c.749C>G on transcript NM_001429.4 (MANE Select); coding-DNA position 749, C replaced by G.
Protein change: p.Pro250Arg; replaces proline 250 with arginine.
Molecular consequence: missense variant.
Genome position (GRCh38, 1-based): chr22:41,125,883, C>G. VCF-style: chr22-41125883-C-G. GRCh37 (hg19) VCF-style: chr22-41521887-C-G.
Other names: c.749C>G, p.Pro250Arg (NM_001362843.2); short protein forms P250R.
Identifiers: ClinVar variation 982758 (VCV000982758.22), dbSNP rs2058879222, ClinGen allele CA411683122.